The following is an entry in ClinVar:

NM_001105206.3(LAMA4):c.503+6C>G

Gene: LAMA4 (laminin subunit alpha 4; minus strand). Cytogenetic location: 6q21.
Variant type: single nucleotide variant.
Coding change: c.503+6C>G on transcript NM_001105206.3 (MANE Select); 6 bases into the intron after coding-DNA position 503, C replaced by G.
Molecular consequence: intron variant.
Genome position (GRCh38, 1-based): chr6:112,201,602, G>C on the plus strand (C>G on the coding strand, the complement: LAMA4 is on the minus strand). VCF-style: chr6-112201602-G-C. GRCh37 (hg19) VCF-style: chr6-112522803-G-C.
Other names: c.503+6C>G (NM_002290.5, NM_001105207.3).
Identifiers: ClinVar variation 4703258 (VCV004703258.1).
Genomic context (GRCh38, chr6:112,201,602, plus strand): 5'-GTTGAGTGTGAGAAACAGAAAGCTTCCTTTGACCCACACAGAAAATAGAGAATTTTATTG[G>C]CTTACCTTTCACAGTTAGGTCCAGCATAATTTTCGTTACAAATGCACCGAACAGCTCCAT-3'

ClinVar aggregate classification (germline): Uncertain significance (1 of 4 stars; one submission).

Conditions:
Dilated cardiomyopathy 1JJ (CMD1JJ). Identifiers: Orphanet 154, MedGen C3808935, MONDO:0014095, OMIM 615235.

gnomAD v4.1: 2 of 1,610,292 alleles (0.00012%); highest among the groups gnomAD compares: East Asian, 0.0022%; no homozygotes.

Submission:

Labcorp Genetics (formerly Invitae), Labcorp
Classification: Uncertain significance for Dilated cardiomyopathy 1JJ. Last evaluated: 2025-10-06. Review status: criteria provided, single submitter. Criteria: Invitae Variant Classification Sherloc (09022015). Collection method: clinical testing. Allele origin: germline.
Comment: This sequence change falls in intron 5 of the LAMA4 gene. It does not directly change the encoded amino acid sequence of the LAMA4 protein. It affects a nucleotide within the consensus splice site. This variant is not present in population databases (gnomAD no frequency). This variant has not been reported in the literature in individuals affected with LAMA4-related conditions. Variants that disrupt the consensus splice site are a relatively common cause of aberrant splicing (PMID: 17576681, 9536098). Algorithms developed to predict the effect of sequence changes on RNA splicing suggest that this variant is not likely to affect RNA splicing. In summary, the available evidence is currently insufficient to determine the role of this variant in disease. Therefore, it has been classified as a Variant of Uncertain Significance.

Literature cited by the submitters: PubMed 17576681; PubMed 9536098.